The following is an entry in ClinVar:

NM_001123385.2(BCOR):c.779C>G (p.Ser260Cys)

Genes: BCOR (BCL6 corepressor; minus strand), LOC126863239 (MED14-independent group 3 enhancer GRCh37_chrX:39932994-39934193; plus strand). Cytogenetic location: Xp11.4.
Variant type: single nucleotide variant.
Coding change: c.779C>G on transcript NM_001123385.2 (MANE Select); coding-DNA position 779, C replaced by G.
Protein change: p.Ser260Cys; replaces serine 260 with cysteine.
Molecular consequence: missense variant.
Genome position (GRCh38, 1-based): chrX:40,074,567, G>C on the plus strand (C>G on the coding strand, the complement: BCOR is on the minus strand). VCF-style: chrX-40074567-G-C. GRCh37 (hg19) VCF-style: chrX-39933820-G-C.
Other names: c.779C>G, p.Ser260Cys (NM_001123383.2, NM_001123384.2, NM_017745.6); short protein forms S260C.
Identifiers: ClinVar variation 945236 (VCV000945236.13), dbSNP rs1469848579, ClinGen allele CA412747995.

ClinVar aggregate classification (germline): Uncertain significance. Review status: criteria provided, multiple submitters, no conflicts (2 of 4 stars). 2 submissions from 2 submitters: Uncertain significance (2). Last evaluated 2024-11-25.

Conditions:
Oculofaciocardiodental syndrome (MCOPS2). Identifiers: Orphanet 2712, MedGen C1846265, MONDO:0010261, OMIM 300166.

Allele frequency attached by ClinVar (database versions not stated): TOPMed below 0.00001; gnomAD exomes 0.00001 and 0.00003.
gnomAD v4.1: 12 of 1,211,773 alleles (0.00099%); highest among the groups gnomAD compares: Non-Finnish European, 0.0013%; no homozygotes.

Submissions (2):

GeneDx
Classification: Uncertain significance. Last evaluated: 2024-11-25. Review status: criteria provided, single submitter. Criteria: GeneDx Variant Classification Process June 2021. Collection method: clinical testing. Allele origin: germline. Affected: yes.
Comment: In silico analysis supports that this missense variant has a deleterious effect on protein structure/function; Has not been previously published as pathogenic or benign to our knowledge

Labcorp Genetics (formerly Invitae), Labcorp
Classification: Uncertain significance for Oculofaciocardiodental syndrome. Last evaluated: 2019-05-08. Review status: criteria provided, single submitter. Criteria: Invitae Variant Classification Sherloc (09022015). Collection method: clinical testing. Allele origin: germline.
Comment: In summary, the available evidence is currently insufficient to determine the role of this variant in disease. Therefore, it has been classified as a Variant of Uncertain Significance. Algorithms developed to predict the effect of missense changes on protein structure and function (SIFT, PolyPhen-2, Align-GVGD) all suggest that this variant is likely to be disruptive, but these predictions have not been confirmed by published functional studies and their clinical significance is uncertain. This variant has not been reported in the literature in individuals with BCOR-related conditions. This variant is not present in population databases (ExAC no frequency). This sequence change replaces serine with cysteine at codon 260 of the BCOR protein (p.Ser260Cys). The serine residue is highly conserved and there is a moderate physicochemical difference between serine and cysteine.